The following is an entry in ClinVar:

ClinVar aggregate classification (germline): Likely benign (1 of 4 stars; one submission).

Submission:

CeGaT Center for Human Genetics Tuebingen
Classification: Likely benign. Last evaluated: 2025-10-01. Review status: criteria provided, single submitter. Criteria: CeGaT Center For Human Genetics Tuebingen Variant Classification Criteria Version 2. Collection method: clinical testing. Allele origin: germline. Affected: yes. Observed: 3 variant alleles.
Comment: MUC12: BP4, BS2

NM_001164462.2(MUC12):c.94G>A (p.Gly32Ser)

Gene: MUC12 (mucin 12, cell surface associated; plus strand). Cytogenetic location: 7q22.1.
Variant type: single nucleotide variant.
Coding change: c.94G>A on transcript NM_001164462.2 (MANE Select); coding-DNA position 94, G replaced by A.
Protein change: p.Gly32Ser; replaces glycine 32 with serine.
Molecular consequence: missense variant.
Genome position (GRCh38, 1-based): chr7:100,990,657, G>A. VCF-style: chr7-100990657-G-A. GRCh37 (hg19) VCF-style: chr7-100633938-G-A.
Other names: short protein forms G32S.
Identifiers: ClinVar variation 3904909 (VCV003904909.10).
Genomic context (GRCh38, chr7:100,990,657, plus strand): 5'-CATAGCACTTTCTCTGGTTTCTCTCAAATCACAGGCTCAACAGTAAACACCAGTATTGGA[G>A]GTAATACAACTTCTGCATCCACACCCAGTTCAAGCGACCCTTTTACCACCTTTAGTGACT-3'
Protein context (NP_001157934.1, residues 22-42): PGSTVNTSIG[Gly32Ser]NTTSASTPSS